The following is an entry in ClinVar:

ClinVar aggregate classification (germline): Uncertain significance (1 of 4 stars; one submission).

Conditions:
Early-infantile DEE. Also called: Early infantile epileptic encephalopathy; Ohtahara syndrome; Early infantile epileptic encephalopathy with suppression bursts. Identifiers: Orphanet 1934, MedGen C0393706, MONDO:0800491.

Submission:

Labcorp Genetics (formerly Invitae), Labcorp
Classification: Uncertain significance for Early-infantile DEE. Last evaluated: 2024-08-31. Review status: criteria provided, single submitter. Criteria: Invitae Variant Classification Sherloc (09022015). Collection method: clinical testing. Allele origin: germline.
Comment: This sequence change replaces glutamic acid, which is acidic and polar, with lysine, which is basic and polar, at codon 804 of the SPTAN1 protein (p.Glu804Lys). This variant is not present in population databases (gnomAD no frequency). This variant has not been reported in the literature in individuals affected with SPTAN1-related conditions. Invitae Evidence Modeling of protein sequence and biophysical properties (such as structural, functional, and spatial information, amino acid conservation, physicochemical variation, residue mobility, and thermodynamic stability) has been performed for this missense variant. However, the output from this modeling did not meet the statistical confidence thresholds required to predict the impact of this variant on SPTAN1 protein function. In summary, the available evidence is currently insufficient to determine the role of this variant in disease. Therefore, it has been classified as a Variant of Uncertain Significance.

NM_001130438.3(SPTAN1):c.2410G>A (p.Glu804Lys)

Gene: SPTAN1 (spectrin alpha, non-erythrocytic 1; plus strand). Cytogenetic location: 9q34.11.
Variant type: single nucleotide variant.
Coding change: c.2410G>A on transcript NM_001130438.3 (MANE Select); coding-DNA position 2410, G replaced by A.
Protein change: p.Glu804Lys; replaces glutamic acid 804 with lysine.
Molecular consequence: missense variant.
Genome position (GRCh38, 1-based): chr9:128,584,498, G>A. VCF-style: chr9-128584498-G-A. GRCh37 (hg19) VCF-style: chr9-131346777-G-A.
Other names: c.2410G>A, p.Glu804Lys (NM_001375314.2, NM_003127.4, NM_001195532.2 and 5 more transcripts); c.2446G>A, p.Glu816Lys (NM_001375318.1, NM_001375312.2); short protein forms E816K, E804K.
Identifiers: ClinVar variation 3635905 (VCV003635905.2).